The following is an entry in ClinVar:

ClinVar aggregate classification (germline): Likely benign (1 of 4 stars; one submission).

Conditions:
Leukocyte adhesion deficiency 1 (LAD1). Also called: LAD 1; Lymphocyte function-associated antigen 1 immunodeficiency; LFA 1 immunodeficiency; LEUKOCYTE ADHESION DEFICIENCY, TYPE I. Identifiers: Orphanet 2968, Orphanet 99842, MedGen C0398738, MONDO:0007293, OMIM 116920.

Allele frequency attached by ClinVar (database versions not stated): gnomAD below 0.00001 and 0.00014; TOPMed 0.00004; gnomAD exomes 0.00048; 1000 Genomes Project 0.00060; 1000 Genomes Project 30x 0.00094.
gnomAD v4.1: 191 of 520,864 alleles (0.037%); highest among the groups gnomAD compares: South Asian, 0.39%; no homozygotes.

Submission:

Illumina Laboratory Services, Illumina
Classification: Likely benign for Leukocyte adhesion deficiency 1. Last evaluated: 2018-01-13. Review status: criteria provided, single submitter. Criteria: ICSL Variant Classification Criteria 13 December 2019. Collection method: clinical testing. Allele origin: germline.
Comment: This variant was observed in the ICSL laboratory as part of a predisposition screen in an ostensibly healthy population. It had not been previously curated by ICSL or reported in the Human Gene Mutation Database (HGMD: prior to June 1st, 2018), and was therefore a candidate for classification through an automated scoring system. Utilizing variant allele frequency, disease prevalence and penetrance estimates, and inheritance mode, an automated score was calculated to assess if this variant is too frequent to cause the disease. Based on the score and internal cut-off values, a variant classified as likely benign is not then subjected to further curation. The score for this variant resulted in a classification of likely benign for this disease.

NM_000211.5(ITGB2):c.*289A>G

Gene: ITGB2 (integrin subunit beta 2; minus strand). Cytogenetic location: 21q22.3.
Variant type: single nucleotide variant.
Coding change: c.*289A>G on transcript NM_000211.5 (MANE Select); 289 bases downstream of the stop codon, A replaced by G.
Molecular consequence: 3 prime UTR variant.
Genome position (GRCh38, 1-based): chr21:44,886,079, T>C on the plus strand (A>G on the coding strand, the complement: ITGB2 is on the minus strand). VCF-style: chr21-44886079-T-C. GRCh37 (hg19) VCF-style: chr21-46305994-T-C.
Other names: c.*289A>G (NM_001127491.3, NM_001303238.2).
Identifiers: ClinVar variation 896171 (VCV000896171.4), dbSNP rs541047362, ClinGen allele CA321890255.